The following is an entry in ClinVar:

ClinVar aggregate classification (germline): Uncertain significance (1 of 4 stars; one submission).

Conditions:
Sulfite oxidase deficiency due to molybdenum cofactor deficiency type A. Also called: Molybdenum Cofactor Deficiency A; Molybdenum cofactor deficiency, complementation group A. Identifiers: Orphanet 308386, Orphanet 833, MedGen C1854988, MONDO:0009643, OMIM 252150.

Allele frequency attached by ClinVar (database versions not stated): gnomAD 0.00001.
gnomAD v4.1: 8 of 1,612,424 alleles (0.0005%); highest among the groups gnomAD compares: South Asian, 0.0022%; no homozygotes.

Submission:

Labcorp Genetics (formerly Invitae), Labcorp
Classification: Uncertain significance for Sulfite oxidase deficiency due to molybdenum cofactor deficiency type A. Last evaluated: 2022-05-05. Review status: criteria provided, single submitter. Criteria: Invitae Variant Classification Sherloc (09022015). Collection method: clinical testing. Allele origin: germline.
Comment: This sequence change replaces valine, which is neutral and non-polar, with isoleucine, which is neutral and non-polar, at codon 93 of the MOCS1 protein (p.Val93Ile). This variant is present in population databases (no rsID available, gnomAD 0.0009%). This variant has not been reported in the literature in individuals affected with MOCS1-related conditions. Algorithms developed to predict the effect of missense changes on protein structure and function output the following: SIFT: "Not Available"; PolyPhen-2: "Benign"; Align-GVGD: "Not Available". The isoleucine amino acid residue is found in multiple mammalian species, which suggests that this missense change does not adversely affect protein function. In summary, the available evidence is currently insufficient to determine the role of this variant in disease. Therefore, it has been classified as a Variant of Uncertain Significance.

NM_001358530.2(MOCS1):c.277G>A (p.Val93Ile)

Gene: MOCS1 (molybdenum cofactor synthesis 1; minus strand). Cytogenetic location: 6p21.2.
Variant type: single nucleotide variant.
Coding change: c.277G>A on transcript NM_001358530.2 (MANE Select); coding-DNA position 277, G replaced by A.
Protein change: p.Val93Ile; replaces valine 93 with isoleucine.
Molecular consequence: missense variant. On other transcripts: non-coding transcript variant (1).
Genome position (GRCh38, 1-based): chr6:39,925,819, C>T on the plus strand (G>A on the coding strand, the complement: MOCS1 is on the minus strand). VCF-style: chr6-39925819-C-T. GRCh37 (hg19) VCF-style: chr6-39893563-C-T.
Other names: c.277G>A, p.Val93Ile (NM_001075098.4, NM_001358529.2, NM_005943.6); c.16G>A, p.Val6Ile (NM_001358531.2, NM_001358533.2, NM_001358534.2); short protein forms V6I, V93I.
Identifiers: ClinVar variation 2071390 (VCV002071390.1), dbSNP rs1314629193, ClinGen allele CA364044880.